The following is an entry in ClinVar:

NM_001378778.1(MPDZ):c.6067-4G>T

Gene: MPDZ (multiple PDZ domain crumbs cell polarity complex component; minus strand). Cytogenetic location: 9p23.
Variant type: single nucleotide variant.
Coding change: c.6067-4G>T on transcript NM_001378778.1 (MANE Select); 4 bases into the intron before coding-DNA position 6067, G replaced by T.
Molecular consequence: intron variant.
Genome position (GRCh38, 1-based): chr9:13,107,115, C>A on the plus strand (G>T on the coding strand, the complement: MPDZ is on the minus strand). VCF-style: chr9-13107115-C-A. GRCh37 (hg19) VCF-style: chr9-13107114-C-A.
Other names: c.5980-4G>T (NM_003829.4, NM_003829.5); c.5770-4G>T (NM_001375425.1, NM_001375426.1); c.5857-4G>T (NM_001375420.1, NM_001375423.1, NM_001375424.1 and 2 more transcripts); c.5881-4G>T (NM_001375419.1, NM_001261407.2); c.5968-4G>T (NM_001375416.1, NM_001375418.1, NM_001261406.2 and 1 more transcripts); c.6067-4G>T (NM_001330637.2); c.5659-4G>T (NM_001375427.1); c.6166-4G>T (NM_001375413.1).
Identifiers: ClinVar variation 1668945 (VCV001668945.10), dbSNP rs376956306, ClinGen allele CA4985963.

ClinVar aggregate classification (germline): Likely benign. Review status: criteria provided, single submitter (1 of 4 stars). 2 submissions from 2 submitters: Likely benign (1). 1 of the submissions does not count toward it. Last evaluated 2025-06-06.

Conditions:
MPDZ-related disorder. Also called: MPDZ-related condition.

Allele frequency attached by ClinVar (database versions not stated): gnomAD exomes 0.00006 and 0.00012; ExAC 0.00010; ESP Exome Variant Server 0.00017; gnomAD 0.00020; TOPMed 0.00025; 1000 Genomes Project 30x 0.00031; 1000 Genomes Project 0.00040.
gnomAD v4.1: 124 of 1,560,558 alleles (0.0079%); highest among the groups gnomAD compares: Middle Eastern, 0.069%; no homozygotes.

Submissions (2):

Labcorp Genetics (formerly Invitae), Labcorp
Classification: Likely benign. Last evaluated: 2025-06-06. Review status: criteria provided, single submitter. Criteria: Invitae Variant Classification Sherloc (09022015). Collection method: clinical testing. Allele origin: germline.

PreventionGenetics, part of Exact Sciences
Classification: Likely benign for MPDZ-related condition. Last evaluated: 2019-09-13. Review status: no assertion criteria provided. Collection method: clinical testing. Allele origin: germline. Not counted in ClinVar's aggregate classification.
Comment: This variant is classified as likely benign based on ACMG/AMP sequence variant interpretation guidelines (Richards et al. 2015 PMID: 25741868, with internal and published modifications).